The following is an entry in ClinVar:

ClinVar aggregate classification (germline): Conflicting classifications of pathogenicity. Review status: criteria provided, conflicting classifications (1 of 4 stars). 3 submissions from 3 submitters: Uncertain significance (2); Likely benign (1). Last evaluated 2026-07-28.

Conditions:
Hereditary cancer-predisposing syndrome. Also called: Tumor predisposition; Hereditary neoplastic syndrome; Neoplastic Syndromes, Hereditary; Hereditary Cancer Syndrome. Identifiers: Orphanet 140162, MedGen C0027672, MeSH D009386, MONDO:0015356.
Cardiovascular phenotype. Identifiers: MedGen CN230736.
Neurofibromatosis, type 1 (NF1). Also called: VON RECKLINGHAUSEN DISEASE; NEUROFIBROMATOSIS, TYPE I, SOMATIC; Peripheral type neurofibromatosis; Neurofibromatosis, type I. Identifiers: Orphanet 636, MedGen C0027831, MONDO:0018975, OMIM 162200. Disease mechanism: loss of function.

Allele frequency attached by ClinVar (database versions not stated): gnomAD exomes 0.00001.
gnomAD v4.1: 9 of 1,613,592 alleles (0.00056%); highest among the groups gnomAD compares: Non-Finnish European, 0.00076%; no homozygotes.

Submissions (3):

Ambry Genetics
Classification: Likely benign for Cardiovascular phenotype; Hereditary cancer-predisposing syndrome. Last evaluated: 2026-07-28. Review status: criteria provided, single submitter. Criteria: Ambry Variant Classification Scheme 2023. Collection method: clinical testing. Allele origin: germline.

Blueprint Genetics
Classification: Uncertain significance. Last evaluated: 2024-08-07. Review status: criteria provided, single submitter. Criteria: ACMG Guidelines, 2015. Collection method: clinical testing. Allele origin: germline.

Labcorp Genetics (formerly Invitae), Labcorp
Classification: Uncertain significance for Neurofibromatosis, type 1. Last evaluated: 2024-08-05. Review status: criteria provided, single submitter. Criteria: Invitae Variant Classification Sherloc (09022015). Collection method: clinical testing. Allele origin: germline.
Comment: This sequence change replaces aspartic acid, which is acidic and polar, with asparagine, which is neutral and polar, at codon 290 of the NF1 protein (p.Asp290Asn). This variant is not present in population databases (gnomAD no frequency). This variant has not been reported in the literature in individuals affected with NF1-related conditions. ClinVar contains an entry for this variant (Variation ID: 822656). Advanced modeling of protein sequence and biophysical properties (such as structural, functional, and spatial information, amino acid conservation, physicochemical variation, residue mobility, and thermodynamic stability) performed at Invitae indicates that this missense variant is not expected to disrupt NF1 protein function with a negative predictive value of 95%. In summary, the available evidence is currently insufficient to determine the role of this variant in disease. Therefore, it has been classified as a Variant of Uncertain Significance.

NM_001042492.3(NF1):c.868G>A (p.Asp290Asn)

Gene: NF1 (neurofibromin 1; plus strand). Cytogenetic location: 17q11.2.
Variant type: single nucleotide variant.
Coding change: c.868G>A on transcript NM_001042492.3 (MANE Select); coding-DNA position 868, G replaced by A.
Protein change: p.Asp290Asn; replaces aspartic acid 290 with asparagine.
Molecular consequence: missense variant.
Genome position (GRCh38, 1-based): chr17:31,182,645, G>A. VCF-style: chr17-31182645-G-A. GRCh37 (hg19) VCF-style: chr17-29509663-G-A.
Other names: c.868G>A, p.Asp290Asn (NM_000267.4, NM_001128147.3); short protein forms D290N.
Identifiers: ClinVar variation 822656 (VCV000822656.9), dbSNP rs1597660081, ClinGen allele CA398991203.